The following is an entry in ClinVar:

ClinVar aggregate classification (germline): Benign/Likely benign. Review status: criteria provided, multiple submitters, no conflicts (2 of 4 stars). 10 submissions from 10 submitters: Benign (8); Likely benign (1). 1 of the submissions does not count toward it. Last evaluated 2026-02-04.

Conditions:
Fanconi anemia complementation group P. Also called: SLX4-Related Fanconi Anemia. Identifiers: Orphanet 84, MedGen C3469542, MONDO:0013499, OMIM 613951.
Fanconi anemia (FA). Also called: Fanconi's anemia. Identifiers: Orphanet 84, MedGen C0015625, MeSH D005199, MONDO:0019391.

Allele frequency attached by ClinVar (database versions not stated): 1000 Genomes Project 0.05970; 1000 Genomes Project 30x 0.06137; TOPMed 0.06750; gnomAD 0.07023; ESP Exome Variant Server 0.07126.
gnomAD v4.1: 102,869 of 1,614,118 alleles (6.4%); highest among the groups gnomAD compares: African/African-American, 7.2%; 3,519 homozygotes.

Submissions (10):

Labcorp Genetics (formerly Invitae), Labcorp
Classification: Benign for Fanconi anemia. Last evaluated: 2026-02-04. Review status: criteria provided, single submitter. Criteria: Invitae Variant Classification Sherloc (09022015). Collection method: clinical testing. Allele origin: germline.

Mayo Clinic Laboratories, Mayo Clinic
Classification: Benign. Last evaluated: 2025-09-15. Review status: criteria provided, single submitter. Criteria: ACMG Guidelines, 2015. Collection method: clinical testing. Allele origin: germline. Observed: 2 variant alleles.

ARUP Laboratories, Molecular Genetics and Genomics, ARUP Laboratories
Classification: Benign for Fanconi anemia complementation group P. Last evaluated: 2025-07-02. Review status: criteria provided, single submitter. Criteria: ARUP Molecular Germline Variant Investigation Process 2024. Collection method: clinical testing. Allele origin: germline.

Blueprint Genetics
Classification: Likely benign. Last evaluated: 2024-11-27. Review status: criteria provided, single submitter. Criteria: ACMG Guidelines, 2015. Collection method: clinical testing. Allele origin: germline.

KCCC/NGS Laboratory, Kuwait Cancer Control Center
Classification: Benign for Fanconi anemia complementation group P. Last evaluated: 2023-07-07. Review status: criteria provided, single submitter. Criteria: ACMG Guidelines, 2015. Collection method: clinical testing. Allele origin: germline. Affected: yes.

GeneDx
Classification: Benign. Last evaluated: 2019-02-24. Review status: criteria provided, single submitter. Criteria: GeneDx Variant Classification Process June 2021. Collection method: clinical testing. Allele origin: germline. Affected: yes.

Illumina Laboratory Services, Illumina
Classification: Benign for Fanconi anemia complementation group P. Last evaluated: 2018-01-13. Review status: criteria provided, single submitter. Criteria: ICSL Variant Classification Criteria 13 December 2019. Collection method: clinical testing. Allele origin: germline.
Comment: This variant was observed in the ICSL laboratory as part of a predisposition screen in an ostensibly healthy population. It had not been previously curated by ICSL or reported in the Human Gene Mutation Database (HGMD: prior to June 1st, 2018), and was therefore a candidate for classification through an automated scoring system. Utilizing variant allele frequency, disease prevalence and penetrance estimates, and inheritance mode, an automated score was calculated to assess if this variant is too frequent to cause the disease. Based on the score and internal cut-off values, a variant classified as benign is not then subjected to further curation. The score for this variant resulted in a classification of benign for this disease.

Breakthrough Genomics
Classification: Benign. Review status: criteria provided, single submitter. Criteria: ACMG Guidelines, 2015. Collection method: not provided. Allele origin: germline. Inheritance: Autosomal recessive inheritance. Affected: yes.

PreventionGenetics, part of Exact Sciences
Classification: Benign. Review status: criteria provided, single submitter. Criteria: ACMG Guidelines, 2015. Collection method: clinical testing. Allele origin: germline.

Leiden Open Variation Database
Classification: Likely benign. Last evaluated: 2012-08-31. Review status: no assertion criteria provided. Collection method: curation. Allele origin: germline. Affected: yes. Not counted in ClinVar's aggregate classification.
Comment: Curator: Arleen D. Auerbach. Submitter to LOVD: Janine Bakker.

Literature cited by the submitters: PubMed 22911665 (cited by Leiden Open Variation Database).

NM_032444.4(SLX4):c.610C>T (p.Arg204Cys)

Gene: SLX4 (SLX4 structure-specific endonuclease subunit; minus strand). Cytogenetic location: 16p13.3.
Variant type: single nucleotide variant.
Coding change: c.610C>T on transcript NM_032444.4 (MANE Select); coding-DNA position 610, C replaced by T.
Protein change: p.Arg204Cys; replaces arginine 204 with cysteine.
Molecular consequence: missense variant.
Genome position (GRCh38, 1-based): chr16:3,606,624, G>A on the plus strand (C>T on the coding strand, the complement: SLX4 is on the minus strand). VCF-style: chr16-3606624-G-A. GRCh37 (hg19) VCF-style: chr16-3656625-G-A.
Other names: c.610C>T (NM_032444.3, LRG_503t1); short protein forms R204C.
Identifiers: ClinVar variation 262056 (VCV000262056.32), dbSNP rs79842542, ClinGen allele CA7866811.
Genomic context (GRCh38, chr16:3,606,624, plus strand): 5'-AACGCTCGGGGTCTGCTCTCTTGAACTGCTGCATTCGCTGTAGGACCAATTGTGCTGTGC[G>A]GGGTTTGGAGGGACTTGGCACTGCTGTTGTCAAACAGGAAGGAGGAGGCTGGGAGTCGCT-3'
Protein context (NP_115820.2, residues 194-214): TTAVPSPSKP[Arg204Cys]TAQLVLQRMQ